The following is an entry in ClinVar:

ClinVar aggregate classification (germline): Conflicting classifications of pathogenicity. Review status: criteria provided, conflicting classifications (1 of 4 stars). 7 submissions from 6 submitters: Uncertain significance (4); Benign (1); Likely benign (1). 1 of the submissions does not count toward it. Last evaluated 2025-12-22.

Conditions:
Ehlers-Danlos syndrome, classic type, 1 (EDSCL1). Also called: EHLERS-DANLOS SYNDROME, GRAVIS TYPE; EHLERS-DANLOS SYNDROME, SEVERE CLASSIC TYPE; EDS I; Ehlers-Danlos Syndrome, Classic Type, COL5A1-Related; Ehlers-Danlos syndrome, type 1. Identifiers: MedGen C0268335, MONDO:0019567, OMIM 130000.
Fibromuscular dysplasia, multifocal. Identifiers: MedGen C5543412, MONDO:0859151, OMIM 619329.
Ehlers-Danlos syndrome, classic type (cEDS). Identifiers: Orphanet 287, MedGen C4225429, MONDO:0007522.
Familial thoracic aortic aneurysm and aortic dissection (TAAD). Also called: Thoracic aortic aneurysms and dissections. Identifiers: Orphanet 91387, MedGen C4707243, MONDO:0019625.
COL5A1-related disorder. Also called: COL5A1-related condition.

Allele frequency attached by ClinVar (database versions not stated): gnomAD below 0.00001 and 0.00017; ExAC 0.00262; 1000 Genomes Project 30x 0.00047; 1000 Genomes Project 0.00060; TOPMed 0.00002.
gnomAD v4.1: 608 of 1,549,694 alleles (0.039%); highest among the groups gnomAD compares: South Asian, 0.7%; 9 homozygotes.

Submissions (7):

Labcorp Genetics (formerly Invitae), Labcorp
Classification: Benign for Ehlers-Danlos syndrome, classic type, 1. Last evaluated: 2025-12-22. Review status: criteria provided, single submitter. Criteria: Invitae Variant Classification Sherloc (09022015). Collection method: clinical testing. Allele origin: germline.

Ambry Genetics
Classification: Uncertain significance for Familial thoracic aortic aneurysm and aortic dissection. Last evaluated: 2025-04-23. Review status: criteria provided, single submitter. Criteria: Ambry Variant Classification Scheme 2023. Collection method: clinical testing. Allele origin: germline.
Comment: The p.G1087A variant (also known as c.3260G>C), located in coding exon 42 of the COL5A1 gene, results from a G to C substitution at nucleotide position 3260. The glycine at codon 1087 is replaced by alanine, an amino acid with similar properties. Internal structural analysis indicates that this alteration disrupts the characteristic G-X-Y motif of the triple helical domain in the COL5A1 protein and inserts a bulky side chain into a sterically-constrained region (Bella J et al.Science.1994;266:75-81; Hohenester E et al.Proc. Natl.Acad. Sci.U.S.A.2008;105:18273-7; Ambry internal data). Glycine substitutions in the triple helical domain of COL5A1 have been reported in association with classic Ehlers-Danlos syndrome (cEDS), but the number of affected individuals is limited and several other COL5A1 glycine substitutions in the triple helical domain (e.g., p.G1078A and p.G1414A) are too common for disease in population databases (Symoens S et al.Hum. Mutat., 2012 Oct;33:1485-93; Ritelli M et al.Orphanet J Rare Dis.2013 Apr;8:58). This variant was reported in individual(s) with features consistent with hypermobility Ehlers-Danlos syndrome (EDS) (Rashed ER et al. Vasc Med, 2022 Jun;27:283-289). This amino acid position is highly conserved in available vertebrate species. In addition, this alteration is predicted to be deleterious by in silico analysis. Based on the available evidence, the clinical significance of this variant remains unclear.

ARUP Laboratories, Molecular Genetics and Genomics, ARUP Laboratories
Classification: Likely benign. Last evaluated: 2023-03-23. Review status: criteria provided, single submitter. Criteria: ARUP Molecular Germline Variant Investigation Process 2024. Collection method: clinical testing. Allele origin: germline.

GeneDx
Classification: Uncertain significance. Last evaluated: 2020-10-29. Review status: criteria provided, single submitter. Criteria: GeneDx Variant Classification Process June 2021. Collection method: clinical testing. Allele origin: germline. Affected: yes.
Comment: Has not been previously published as pathogenic or benign to our knowledge; Identified independently and in conjunction with additional variants in individuals referred for connective tissue disorder genetic testing at GeneDx; segregation data is limited or absent at this time; Reported in ClinVar but additional evidence is not available (ClinVar Variant ID #426317; Landrum et al., 2016); In silico analysis supports that this missense variant has a deleterious effect on protein structure/function

Center for Genomics, Ann and Robert H. Lurie Children's Hospital of Chicago
Classification: Uncertain significance for Ehlers-Danlos syndrome, classic type, 1. Last evaluated: 2017-12-22. Review status: criteria provided, single submitter. Criteria: ACMG Guidelines, 2015. Collection method: clinical testing. Allele origin: germline.
Comment: COL5A1 NM_000093.4 exon 42 p.Gly1087Ala (c.3260G>C): This variant has not been reported in the literature but is present in 0.7% (170/22822) of South Asian alleles in the Genome Aggregation Database. This variant is present in ClinVar (Variation ID: 426317). Evolutionary conservation and computational predictive tools suggest that this variant may impact the protein. In summary, data on this variant is insufficient for disease classification. Therefore, the clinical significance of this variant is uncertain.

Center for Genomics, Ann and Robert H. Lurie Children's Hospital of Chicago
Classification: Uncertain significance for Ehlers-Danlos syndrome, classic type, 1; Fibromuscular dysplasia, multifocal. Review status: criteria provided, single submitter. Criteria: ACMG Guidelines, 2015. Collection method: clinical testing. Allele origin: germline.
Comment: COL5A1 NM_000093 exon 42 p.Gly1087Ala (c.3260G>C): This variant has not been reported in the literature but is present in 0.7% (170/22822) of South Asian alleles in the Genome Aggregation Database. This variant is present in ClinVar (Variation ID: 426317). Evolutionary conservation and computational predictive tools suggest that this variant may impact the protein. In summary, data on this variant is insufficient for disease classification. Therefore, the clinical significance of this variant is uncertain.

PreventionGenetics, part of Exact Sciences
Classification: Likely benign for COL5A1-related condition. Last evaluated: 2022-04-26. Review status: no assertion criteria provided. Collection method: clinical testing. Allele origin: germline. Not counted in ClinVar's aggregate classification.
Comment: This variant is classified as likely benign based on ACMG/AMP sequence variant interpretation guidelines (Richards et al. 2015 PMID: 25741868, with internal and published modifications).

Literature cited by the submitters: PubMed 35000503 (cited by Ambry Genetics).

NM_000093.5(COL5A1):c.3260G>C (p.Gly1087Ala)

Gene: COL5A1 (collagen type V alpha 1 chain; plus strand). Cytogenetic location: 9q34.3.
Variant type: single nucleotide variant.
Coding change: c.3260G>C on transcript NM_000093.5 (MANE Select); coding-DNA position 3260, G replaced by C.
Protein change: p.Gly1087Ala; replaces glycine 1087 with alanine.
Molecular consequence: missense variant.
Genome position (GRCh38, 1-based): chr9:134,806,190, G>C. VCF-style: chr9-134806190-G-C. GRCh37 (hg19) VCF-style: chr9-137698036-G-C.
Other names: c.3260G>C, p.Gly1087Ala (NM_001278074.1); short protein forms G1087A.
Identifiers: ClinVar variation 426317 (VCV000426317.22), dbSNP rs559882772, ClinGen allele CA5319827.
Genomic context (GRCh38, chr9:134,806,190, plus strand): 5'-AGTCACGACCACGCAGTCTGAGAGCCTTTGAAGCAGACTGTTTTCTTGCTCCACCTCAGG[G>C]ATCTCCAGGGGAGAGAGGTCCAGCTGGAGCCGCTGGGCCCATCGGAATTCCAGGGAGACC-3'
Protein context (NP_000084.3, residues 1077-1097): EGPPGPPGPA[Gly1087Ala]SPGERGPAGA